The following is an entry in ClinVar:

NM_000535.7(PMS2):c.1258C>T (p.Leu420=)

Gene: PMS2 (PMS1 homolog 2, mismatch repair system component; minus strand). Cytogenetic location: 7p22.1.
Variant type: single nucleotide variant.
Coding change: c.1258C>T on transcript NM_000535.7 (MANE Select); coding-DNA position 1258, C replaced by T.
Protein change: p.Leu420=; no amino-acid change (leucine 420 retained).
Molecular consequence: synonymous variant. On other transcripts: non-coding transcript variant (1).
Genome position (GRCh38, 1-based): chr7:5,987,507, G>A on the plus strand (C>T on the coding strand, the complement: PMS2 is on the minus strand). VCF-style: chr7-5987507-G-A. GRCh37 (hg19) VCF-style: chr7-6027138-G-A.
Other names: c.853C>T, p.Leu285= (NM_001322003.2, NM_001322004.2, NM_001322005.2 and 1 more transcripts); c.1102C>T, p.Leu368= (NM_001322006.2); c.940C>T, p.Leu314= (NM_001322007.2, NM_001322008.2); c.697C>T, p.Leu233= (NM_001322010.2); c.325C>T, p.Leu109= (NM_001322011.2, NM_001322012.2); c.685C>T, p.Leu229= (NM_001322013.2); c.1258C>T, p.Leu420= (NM_001322014.2); c.949C>T, p.Leu317= (NM_001322015.2); and 1 more.
Identifiers: ClinVar variation 1151437 (VCV001151437.11), dbSNP rs1783155735, ClinGen allele CA453748152.

ClinVar aggregate classification (germline): Benign/Likely benign. Review status: criteria provided, multiple submitters, no conflicts (2 of 4 stars). 3 submissions from 3 submitters: Benign (1); Likely benign (2). Last evaluated 2025-07-30.

Conditions:
Lynch syndrome 4 (LYNCH4). Also called: Hereditary non-polyposis colorectal cancer, type 4; Colorectal cancer, hereditary nonpolyposis, type 4. Identifiers: Orphanet 144, MedGen C1838333, MONDO:0013699, OMIM 614337. Disease mechanism: loss of function.
Hereditary nonpolyposis colorectal neoplasms. Identifiers: MedGen C0009405, MeSH D003123.
Hereditary cancer-predisposing syndrome. Also called: Tumor predisposition; Neoplastic Syndromes, Hereditary; Hereditary neoplastic syndrome; Hereditary Cancer Syndrome. Identifiers: Orphanet 140162, MedGen C0027672, MeSH D009386, MONDO:0015356.

Allele frequency attached by ClinVar (database versions not stated): gnomAD 0.00001.

Submissions (3):

Labcorp Genetics (formerly Invitae), Labcorp
Classification: Likely benign for Hereditary nonpolyposis colorectal neoplasms. Last evaluated: 2025-07-30. Review status: criteria provided, single submitter. Criteria: Invitae Variant Classification Sherloc (09022015). Collection method: clinical testing. Allele origin: germline.

Myriad Genetics, Inc.
Classification: Benign for Lynch syndrome 4. Last evaluated: 2025-01-30. Review status: criteria provided, single submitter. Criteria: Myriad Autosomal Dominant, Autosomal Recessive and X-Linked Classification Criteria (2023). Collection method: clinical testing. Allele origin: unknown.
Comment: This variant is considered benign. This variant is a silent/synonymous amino acid change and it is not expected to impact splicing.

Ambry Genetics
Classification: Likely benign for Hereditary cancer-predisposing syndrome. Last evaluated: 2023-09-25. Review status: criteria provided, single submitter. Criteria: Ambry Variant Classification Scheme 2023. Collection method: clinical testing. Allele origin: germline.